The following is an entry in ClinVar:

NM_177438.3(DICER1):c.3703T>C (p.Cys1235Arg)

Gene: DICER1 (dicer 1, ribonuclease III; minus strand). Cytogenetic location: 14q32.13.
Variant type: single nucleotide variant.
Coding change: c.3703T>C on transcript NM_177438.3 (MANE Select); coding-DNA position 3703, T replaced by C.
Protein change: p.Cys1235Arg; replaces cysteine 1235 with arginine.
Molecular consequence: missense variant.
Genome position (GRCh38, 1-based): chr14:95,103,693, A>G on the plus strand (T>C on the coding strand, the complement: DICER1 is on the minus strand). VCF-style: chr14-95103693-A-G. GRCh37 (hg19) VCF-style: chr14-95570030-A-G.
Other names: c.3703T>C, p.Cys1235Arg (NM_001195573.1, NM_001271282.3, NM_001291628.2 and 1 more transcripts); short protein forms C1235R.
Identifiers: ClinVar variation 824099 (VCV000824099.16), dbSNP rs1595365295, ClinGen allele CA390874287.

ClinVar aggregate classification (germline): Uncertain significance. Review status: criteria provided, multiple submitters, no conflicts (2 of 4 stars). 2 submissions from 2 submitters: Uncertain significance (2). Last evaluated 2025-05-09.

Conditions:
DICER1-related tumor predisposition. Also called: DICER1-related pleuropulmonary blastoma cancer predisposition syndrome; DICER1 syndrome. Identifiers: Orphanet 284343, MedGen C3839822, MONDO:0100216.
Hereditary cancer-predisposing syndrome. Also called: Neoplastic Syndromes, Hereditary; Hereditary Cancer Syndrome; Hereditary neoplastic syndrome; Tumor predisposition. Identifiers: Orphanet 140162, MedGen C0027672, MeSH D009386, MONDO:0015356.

Submissions (2):

Ambry Genetics
Classification: Uncertain significance for Hereditary cancer-predisposing syndrome. Last evaluated: 2025-05-09. Review status: criteria provided, single submitter. Criteria: Ambry Variant Classification Scheme 2023. Collection method: clinical testing. Allele origin: germline.
Comment: The p.C1235R variant (also known as c.3703T>C), located in coding exon 20 of the DICER1 gene, results from a T to C substitution at nucleotide position 3703. The cysteine at codon 1235 is replaced by arginine, an amino acid with highly dissimilar properties. This amino acid position is highly conserved in available vertebrate species. In addition, this alteration is predicted to be deleterious by in silico analysis. Based on the available evidence, the clinical significance of this variant remains unclear.

Labcorp Genetics (formerly Invitae), Labcorp
Classification: Uncertain significance for DICER1-related tumor predisposition. Last evaluated: 2023-12-08. Review status: criteria provided, single submitter. Criteria: Invitae Variant Classification Sherloc (09022015). Collection method: clinical testing. Allele origin: germline.
Comment: This sequence change replaces cysteine, which is neutral and slightly polar, with arginine, which is basic and polar, at codon 1235 of the DICER1 protein (p.Cys1235Arg). This variant is not present in population databases (gnomAD no frequency). This variant has not been reported in the literature in individuals affected with DICER1-related conditions. ClinVar contains an entry for this variant (Variation ID: 824099). Advanced modeling of protein sequence and biophysical properties (such as structural, functional, and spatial information, amino acid conservation, physicochemical variation, residue mobility, and thermodynamic stability) performed at Invitae indicates that this missense variant is not expected to disrupt DICER1 protein function with a negative predictive value of 80%. In summary, the available evidence is currently insufficient to determine the role of this variant in disease. Therefore, it has been classified as a Variant of Uncertain Significance.